The following is an entry in ClinVar:

NM_024753.5(TTC21B):c.1388C>T (p.Pro463Leu)

Gene: TTC21B (tetratricopeptide repeat domain 21B; minus strand). Cytogenetic location: 2q24.3.
Variant type: single nucleotide variant.
Coding change: c.1388C>T on transcript NM_024753.5 (MANE Select); coding-DNA position 1388, C replaced by T.
Protein change: p.Pro463Leu; replaces proline 463 with leucine.
Molecular consequence: missense variant.
Genome position (GRCh38, 1-based): chr2:165,924,677, G>A on the plus strand (C>T on the coding strand, the complement: TTC21B is on the minus strand). VCF-style: chr2-165924677-G-A. GRCh37 (hg19) VCF-style: chr2-166781187-G-A.
Other names: short protein forms P463L.
Identifiers: ClinVar variation 4977597 (VCV004977597.1).

ClinVar aggregate classification (germline): Uncertain significance (1 of 4 stars; one submission).

Conditions:
TTC21B-related disorder. Also called: TTC21B-related condition; TTC21B-related disorders.

gnomAD v4.1: 2 of 1,613,148 alleles (0.00012%); highest among the groups gnomAD compares: Non-Finnish European, 0.00017%; no homozygotes.

Submission:

PreventionGenetics, part of Exact Sciences
Classification: Uncertain significance for TTC21B-related condition. Last evaluated: 2026-07-22. Review status: criteria provided, single submitter. Criteria: ACMG Guidelines, 2015. Collection method: clinical testing. Allele origin: germline.
Comment: The TTC21B c.1388C>T variant is predicted to result in the amino acid substitution p.Pro463Leu. To our knowledge, this variant has not been reported in the literature or in a large population database (gnomAD), indicating this variant is rare. At this time, the clinical significance of this variant is uncertain due to the absence of conclusive functional and genetic evidence.